The following is an entry in ClinVar:

ClinVar aggregate classification (germline): Pathogenic. Review status: criteria provided, multiple submitters, no conflicts (2 of 4 stars). 4 submissions from 4 submitters: Pathogenic (4). Last evaluated 2026-09-08.

Conditions:
Fabry disease. Also called: Ceramide trihexosidosis; Fabry's disease; HEREDITARY DYSTOPIC LIPIDOSIS; Angiokeratoma corporis diffusum; ALPHA-GALACTOSIDASE A DEFICIENCY; ANDERSON-FABRY DISEASE. Identifiers: Orphanet 324, MedGen C0002986, MONDO:0010526, OMIM 301500, HP:0001071. Disease mechanism: Fabry disease is due to inactivating mutations in the X-linked GLA gene resulting in deficiency of the enzyme Alpha Galactosidase-A., loss of function.

Submissions (4):

Genomenon, Inc
Classification: Pathogenic for Fabry disease. Last evaluated: 2026-09-08. Review status: criteria provided, single submitter. Criteria: Genomenon Sequence Variant Interpretation Standards - Updated. Collection method: curation. Allele origin: germline. Affected: yes.
Comment: GLA p.Gly183Val (c.548G>T) is a missense variant that changes the amino acid at codon 183 from Glycine to Valine. This variant has been observed in at least one proband with clinical features consistent with Fabry disease (PMID:33204599;36165155;30834538;32843101;32531501;28197106;27657681;31519519). A de novo occurrence of this variant has been observed in at least one affected individual (PMID:32531501). At least one functional study has demonstrated a substantial alteration in protein function relative to the wild-type (PMID:32023956;36499585;27657681). At least one splicing study has demonstrated that this variant results in aberrant splicing (PMID:36499585). It is absent or not present at a significant frequency in gnomAD. In conclusion, we classify GLA p.Gly183Val (c.548G>T) as a pathogenic variant.

Serv. Biochemistry and Molecular genetics, Hospital Clinic de Barcelona, Hospital Clínic de Barcelona
Classification: Pathogenic for Fabry disease. Last evaluated: 2026-05-21. Review status: criteria provided, single submitter. Criteria: ACMG Guidelines, 2015. Collection method: clinical testing. Allele origin: germline. Inheritance: X-linked inheritance. Affected: yes. Observed: 5 variant alleles. Clinical features observed: Chronic kidney disease (HP:0012622).
Comment: Classification reported in the manuscript using ACMG criteria/in silico tools: Pathogenic. Variant type: Missense; amino acid change: p.Gly183Val. Criteria: PM1, PM2, PM5, PP2, PP3, PS4,

Revvity Omics, Revvity
Classification: Pathogenic. Last evaluated: 2023-01-17. Review status: criteria provided, single submitter. Criteria: ACMG Guidelines, 2015. Collection method: clinical testing. Allele origin: germline.

Eurofins Ntd Llc (ga)
Classification: Pathogenic. Last evaluated: 2014-09-03. Review status: criteria provided, single submitter. Criteria: EGL Classification Definitions 2015. Collection method: clinical testing. Allele origin: germline.

Literature cited by the submitters: PubMed 33204599 (cited by Genomenon, Inc and Serv. Biochemistry and Molecular genetics, Hospital Clinic de Barcelona, Hospital Clínic de Barcelona); PubMed 36165155 (cited by Genomenon, Inc and Serv. Biochemistry and Molecular genetics, Hospital Clinic de Barcelona, Hospital Clínic de Barcelona); PubMed 30834538 (cited by Genomenon, Inc and Serv. Biochemistry and Molecular genetics, Hospital Clinic de Barcelona, Hospital Clínic de Barcelona); PubMed 32843101 (cited by Genomenon, Inc and Serv. Biochemistry and Molecular genetics, Hospital Clinic de Barcelona, Hospital Clínic de Barcelona); PubMed 32531501 (cited by Genomenon, Inc and Serv. Biochemistry and Molecular genetics, Hospital Clinic de Barcelona, Hospital Clínic de Barcelona); PubMed 28197106 (cited by Genomenon, Inc and Serv. Biochemistry and Molecular genetics, Hospital Clinic de Barcelona, Hospital Clínic de Barcelona); PubMed 27657681 (cited by Genomenon, Inc and Serv. Biochemistry and Molecular genetics, Hospital Clinic de Barcelona, Hospital Clínic de Barcelona); PubMed 31519519 (cited by Genomenon, Inc and Serv. Biochemistry and Molecular genetics, Hospital Clinic de Barcelona, Hospital Clínic de Barcelona); PubMed 32023956 (cited by Genomenon, Inc and Serv. Biochemistry and Molecular genetics, Hospital Clinic de Barcelona, Hospital Clínic de Barcelona); PubMed 36499585 (cited by Genomenon, Inc and Serv. Biochemistry and Molecular genetics, Hospital Clinic de Barcelona, Hospital Clínic de Barcelona); PubMed 37940383 (cited by Serv. Biochemistry and Molecular genetics, Hospital Clinic de Barcelona, Hospital Clínic de Barcelona); PubMed 37634127 (cited by Serv. Biochemistry and Molecular genetics, Hospital Clinic de Barcelona, Hospital Clínic de Barcelona).

NM_000169.3(GLA):c.548G>T (p.Gly183Val)

Genes: GLA (galactosidase alpha; minus strand), RPL36A-HNRNPH2 (RPL36A-HNRNPH2 readthrough; plus strand). Cytogenetic location: Xq22.1.
Variant type: single nucleotide variant.
Coding change: c.548G>T on transcript NM_000169.3 (MANE Select); coding-DNA position 548, G replaced by T.
Protein change: p.Gly183Val; replaces glycine 183 with valine.
Molecular consequence: missense variant. On other transcripts: non-coding transcript variant (2), intron variant (2).
Genome position (GRCh38, 1-based): chrX:101,400,757, C>A on the plus strand (G>T on the coding strand, the complement: GLA is on the minus strand). VCF-style: chrX-101400757-C-A. GRCh37 (hg19) VCF-style: chrX-100655745-C-A.
Other names: c.671G>T, p.Gly224Val (NM_001406747.1); c.548G>T, p.Gly183Val (NM_001406748.1); c.300+5300C>A (NM_001199973.2); c.177+8935C>A (NM_001199974.2); short protein forms G224V.
Identifiers: ClinVar variation 92555 (VCV000092555.12), dbSNP rs398123212, ClinGen allele CA021796.